The following is an entry in ClinVar:

ClinVar aggregate classification (germline): Benign/Likely benign. Review status: criteria provided, multiple submitters, no conflicts (2 of 4 stars). 5 submissions from 5 submitters: Benign (3); Likely benign (1). 1 of the submissions does not count toward it. Last evaluated 2026-01-27.

Conditions:
Imerslund-Grasbeck syndrome. Also called: PERNICIOUS ANEMIA, JUVENILE, DUE TO SELECTIVE INTESTINAL MALABSORPTION OF VITAMIN B12, WITH PROTEINURIA; Imerslund-Gräsbeck syndrome; Megaloblastic anemia due to inborn errors of metabolism; ENTEROCYTE COBALAMIN MALABSORPTION; ENTEROCYTE INTRINSIC FACTOR RECEPTOR, DEFECT OF. Identifiers: Orphanet 35858, MedGen C4551825, MONDO:0009853.
CUBN-related disorder. Also called: CUBN-related condition.
Imerslund-Grasbeck syndrome type 1 (IGS1). Also called: MEGALOBLASTIC ANEMIA, 1; Imerslund-Gräsbeck syndrome 1; Megaloblastic anemia 1, Finnish type. Identifiers: MedGen C4016819, MONDO:0100156, OMIM 261100.

Allele frequency attached by ClinVar (database versions not stated): gnomAD exomes 0.00135 and 0.00052; gnomAD 0.00513; TOPMed 0.00573; ExAC 0.00161; 1000 Genomes Project 0.00379; 1000 Genomes Project 30x 0.00422; ESP Exome Variant Server 0.00615.
gnomAD v4.1: 1,598 of 1,614,086 alleles (0.099%); highest among the groups gnomAD compares: African/African-American, 1.8%; 11 homozygotes.

Submissions (5):

Labcorp Genetics (formerly Invitae), Labcorp
Classification: Benign for Imerslund-Grasbeck syndrome. Last evaluated: 2026-01-27. Review status: criteria provided, single submitter. Criteria: Invitae Variant Classification Sherloc (09022015). Collection method: clinical testing. Allele origin: germline.

ARUP Laboratories, Molecular Genetics and Genomics, ARUP Laboratories
Classification: Benign. Last evaluated: 2025-06-03. Review status: criteria provided, single submitter. Criteria: ARUP Molecular Germline Variant Investigation Process 2024. Collection method: clinical testing. Allele origin: germline.

GeneDx
Classification: Likely benign. Last evaluated: 2018-11-15. Review status: criteria provided, single submitter. Criteria: GeneDx Variant Classification Process June 2021. Collection method: clinical testing. Allele origin: germline. Affected: yes.
Comment: This variant is associated with the following publications: (PMID: 31462756)

Illumina Laboratory Services, Illumina
Classification: Benign for Imerslund-Grasbeck syndrome type 1. Last evaluated: 2017-07-24. Review status: criteria provided, single submitter. Criteria: ICSL Variant Classification Criteria 13 December 2019. Collection method: clinical testing. Allele origin: germline.
Comment: This variant was observed as part of a predisposition screen in an ostensibly healthy population. A literature search was performed for the gene, cDNA change, and amino acid change (where applicable). Publications were found based on this search. The evidence from the literature, in combination with allele frequency data from public databases where available, was sufficient to rule this variant out of causing disease. Therefore, this variant is classified as benign.

PreventionGenetics, part of Exact Sciences
Classification: Benign for CUBN-related condition. Last evaluated: 2019-07-01. Review status: no assertion criteria provided. Collection method: clinical testing. Allele origin: germline. Not counted in ClinVar's aggregate classification.
Comment: This variant is classified as benign based on ACMG/AMP sequence variant interpretation guidelines (Richards et al. 2015 PMID: 25741868, with internal and published modifications).

Literature cited by the submitters: PubMed 27197912 (cited by Illumina Laboratory Services, Illumina).

NM_001081.4(CUBN):c.9986C>T (p.Ser3329Leu)

Gene: CUBN (cubilin; minus strand). Cytogenetic location: 10p13.
Variant type: single nucleotide variant.
Coding change: c.9986C>T on transcript NM_001081.4 (MANE Select); coding-DNA position 9986, C replaced by T.
Protein change: p.Ser3329Leu; replaces serine 3329 with leucine.
Molecular consequence: missense variant.
Genome position (GRCh38, 1-based): chr10:16,840,376, G>A on the plus strand (C>T on the coding strand, the complement: CUBN is on the minus strand). VCF-style: chr10-16840376-G-A. GRCh37 (hg19) VCF-style: chr10-16882375-G-A.
Other names: short protein forms S3329L.
Identifiers: ClinVar variation 532212 (VCV000532212.20), dbSNP rs74431427, ClinGen allele CA5422531.